The following is an entry in ClinVar:

NM_001385641.1(SAMD11):c.1643A>G (p.Asn548Ser)

Gene: SAMD11 (sterile alpha motif domain containing 11; plus strand). Cytogenetic location: 1p36.33.
Variant type: single nucleotide variant.
Coding change: c.1643A>G on transcript NM_001385641.1 (MANE Select); coding-DNA position 1643, A replaced by G.
Protein change: p.Asn548Ser; replaces asparagine 548 with serine.
Molecular consequence: missense variant.
Genome position (GRCh38, 1-based): chr1:942,648, A>G. VCF-style: chr1-942648-A-G. GRCh37 (hg19) VCF-style: chr1-878028-A-G.
Other names: c.1646A>G, p.Asn549Ser (NM_001385640.1); c.1154A>G, p.Asn385Ser (NM_152486.4); short protein forms N385S, N548S, N549S.
Identifiers: ClinVar variation 965463 (VCV000965463.10), dbSNP rs1176956891, ClinGen allele CA337808776.

ClinVar aggregate classification (germline): Uncertain significance (1 of 4 stars; one submission).

Allele frequency attached by ClinVar (database versions not stated): gnomAD exomes below 0.00001; gnomAD 0.00002; TOPMed 0.00003.
gnomAD v4.1: 9 of 1,435,968 alleles (0.00063%); highest among the groups gnomAD compares: African/African-American, 0.006%; no homozygotes.

Submission:

Labcorp Genetics (formerly Invitae), Labcorp
Classification: Uncertain significance. Last evaluated: 2022-10-04. Review status: criteria provided, single submitter. Criteria: Invitae Variant Classification Sherloc (09022015). Collection method: clinical testing. Allele origin: germline.
Comment: In summary, the available evidence is currently insufficient to determine the role of this variant in disease. Therefore, it has been classified as a Variant of Uncertain Significance. Algorithms developed to predict the effect of sequence changes on RNA splicing suggest that this variant may create or strengthen a splice site. Algorithms developed to predict the effect of missense changes on protein structure and function output the following: SIFT: "Tolerated"; PolyPhen-2: "Benign"; Align-GVGD: "Class C0". The serine amino acid residue is found in multiple mammalian species, which suggests that this missense change does not adversely affect protein function. ClinVar contains an entry for this variant (Variation ID: 965463). This variant has not been reported in the literature in individuals affected with SAMD11-related conditions. This variant is not present in population databases (gnomAD no frequency). This sequence change replaces asparagine, which is neutral and polar, with serine, which is neutral and polar, at codon 385 of the SAMD11 protein (p.Asn385Ser).